The following is an entry in ClinVar:

ClinVar aggregate classification (germline): Uncertain significance. Review status: criteria provided, multiple submitters, no conflicts (2 of 4 stars). 3 submissions from 3 submitters: Uncertain significance (3). Last evaluated 2026-06-24.

Conditions:
Heterotaxy, visceral, 8, autosomal (HTX8). Identifiers: MedGen C4310668, MONDO:0014967, OMIM 617205.
Inborn genetic diseases. Identifiers: MedGen C0950123, MeSH D030342.
PKD1L1-related disorder. Also called: PKD1L1-related condition.

Allele frequency attached by ClinVar (database versions not stated): ESP Exome Variant Server 0.00008; TOPMed 0.00015; ExAC 0.00021; gnomAD 0.00021; gnomAD exomes 0.00047.
gnomAD v4.1: 735 of 1,613,914 alleles (0.046%); highest among the groups gnomAD compares: Non-Finnish European, 0.059%; 2 homozygotes.

Submissions (3):

PreventionGenetics, part of Exact Sciences
Classification: Uncertain significance for PKD1L1-related condition. Last evaluated: 2026-06-24. Review status: criteria provided, single submitter. Criteria: ACMG Guidelines, 2015. Collection method: clinical testing. Allele origin: germline.
Comment: The PKD1L1 c.7718A>G variant is predicted to result in the amino acid substitution p.Tyr2573Cys. To our knowledge, this variant has not been reported in the literature. This variant is reported in 0.042% of alleles in individuals of European (Non-Finnish) descent in gnomAD. At this time, the clinical significance of this variant is uncertain due to the absence of conclusive functional and genetic evidence.

Revvity Omics, Revvity
Classification: Uncertain significance for Heterotaxy, visceral, 8, autosomal. Last evaluated: 2022-02-22. Review status: criteria provided, single submitter. Criteria: ACMG Guidelines, 2015. Collection method: clinical testing. Allele origin: germline.

Ambry Genetics
Classification: Uncertain significance for Inborn genetic diseases. Last evaluated: 2021-08-17. Review status: criteria provided, single submitter. Criteria: Ambry Variant Classification Scheme 2023. Collection method: clinical testing. Allele origin: germline.

NM_138295.5(PKD1L1):c.7718A>G (p.Tyr2573Cys)

Genes: PKD1L1-AS1 (PKD1L1 antisense RNA 1; plus strand), PKD1L1 (polycystin 1 like 1, transient receptor potential channel interacting; minus strand). Cytogenetic location: 7p12.3.
Variant type: single nucleotide variant.
Coding change: c.7718A>G on transcript NM_138295.5 (MANE Select); coding-DNA position 7718, A replaced by G.
Protein change: p.Tyr2573Cys; replaces tyrosine 2573 with cysteine.
Molecular consequence: missense variant.
Genome position (GRCh38, 1-based): chr7:47,808,356, T>C on the plus strand (A>G on the coding strand, the complement: PKD1L1 is on the minus strand). VCF-style: chr7-47808356-T-C. GRCh37 (hg19) VCF-style: chr7-47847954-T-C.
Other names: c.7718A>G (NM_138295.4); short protein forms Y2573C.
Identifiers: ClinVar variation 2283428 (VCV002283428.6), dbSNP rs200241881, ClinGen allele CA4251937.